The following is an entry in ClinVar:

NM_016284.5(CNOT1):c.3937G>T (p.Asp1313Tyr)

Gene: CNOT1 (CCR4-NOT transcription complex subunit 1; minus strand). Cytogenetic location: 16q21.
Variant type: single nucleotide variant.
Coding change: c.3937G>T on transcript NM_016284.5 (MANE Select); coding-DNA position 3937, G replaced by T.
Protein change: p.Asp1313Tyr; replaces aspartic acid 1313 with tyrosine.
Molecular consequence: missense variant. On other transcripts: non-coding transcript variant (1).
Genome position (GRCh38, 1-based): chr16:58,546,390, C>A on the plus strand (G>T on the coding strand, the complement: CNOT1 is on the minus strand). VCF-style: chr16-58546390-C-A. GRCh37 (hg19) VCF-style: chr16-58580294-C-A.
Other names: c.3922G>T, p.Asp1308Tyr (NM_001265612.2); c.3937G>T, p.Asp1313Tyr (NM_206999.3); short protein forms D1308Y, D1313Y.
Identifiers: ClinVar variation 3361924 (VCV003361924.1).

ClinVar aggregate classification (germline): Uncertain significance (1 of 4 stars; one submission).

Submission:

GeneDx
Classification: Uncertain significance. Last evaluated: 2023-08-01. Review status: criteria provided, single submitter. Criteria: GeneDx Variant Classification Process June 2021. Collection method: clinical testing. Allele origin: germline. Affected: yes.
Comment: Not observed at significant frequency in large population cohorts (gnomAD); In silico analysis supports that this missense variant has a deleterious effect on protein structure/function; Has not been previously published as pathogenic or benign to our knowledge